The following is an entry in ClinVar:

ClinVar aggregate classification (germline): Benign/Likely benign. Review status: criteria provided, multiple submitters, no conflicts (2 of 4 stars). 5 submissions from 5 submitters: Benign (1); Likely benign (3). 1 of the submissions does not count toward it. Last evaluated 2026-09-21.

Conditions:
Inborn genetic diseases. Identifiers: MedGen C0950123, MeSH D030342.
CDH2-related disorder. Also called: CDH2-related condition.

Allele frequency attached by ClinVar (database versions not stated): 1000 Genomes Project 30x 0.00031; gnomAD exomes 0.00018 and 0.00007; ESP Exome Variant Server 0.00023; gnomAD 0.00009 and 0.00010; TOPMed 0.00013; ExAC 0.00017; 1000 Genomes Project 0.00040.
gnomAD v4.1: 117 of 1,614,028 alleles (0.0072%); highest among the groups gnomAD compares: East Asian, 0.1%; no homozygotes.

Submissions (5):

Molecular Diagnostic Laboratory for Inherited Cardiovascular Disease, Montreal Heart Institute
Classification: Likely benign. Last evaluated: 2026-09-21. Review status: criteria provided, single submitter. Criteria: ACMG Guidelines, 2015. Collection method: clinical testing. Allele origin: germline. Affected: no.
Comment: BP7

Labcorp Genetics (formerly Invitae), Labcorp
Classification: Benign. Last evaluated: 2026-01-05. Review status: criteria provided, single submitter. Criteria: Invitae Variant Classification Sherloc (09022015). Collection method: clinical testing. Allele origin: germline.

Blueprint Genetics
Classification: Likely benign. Last evaluated: 2024-04-15. Review status: criteria provided, single submitter. Criteria: ACMG Guidelines, 2015. Collection method: clinical testing. Allele origin: germline.

Ambry Genetics
Classification: Likely benign for Inborn genetic diseases. Last evaluated: 2022-05-02. Review status: criteria provided, single submitter. Criteria: Ambry Variant Classification Scheme 2023. Collection method: clinical testing. Allele origin: germline.

PreventionGenetics, part of Exact Sciences
Classification: Likely benign for CDH2-related condition. Last evaluated: 2019-08-29. Review status: no assertion criteria provided. Collection method: clinical testing. Allele origin: germline. Not counted in ClinVar's aggregate classification.
Comment: This variant is classified as likely benign based on ACMG/AMP sequence variant interpretation guidelines (Richards et al. 2015 PMID: 25741868, with internal and published modifications).

NM_001792.5(CDH2):c.1104C>T (p.Ala368=)

Gene: CDH2 (cadherin 2; minus strand). Cytogenetic location: 18q12.1.
Variant type: single nucleotide variant.
Coding change: c.1104C>T on transcript NM_001792.5 (MANE Select); coding-DNA position 1104, C replaced by T.
Protein change: p.Ala368=; no amino-acid change (alanine 368 retained).
Molecular consequence: synonymous variant.
Genome position (GRCh38, 1-based): chr18:27,993,554, G>A on the plus strand (C>T on the coding strand, the complement: CDH2 is on the minus strand). VCF-style: chr18-27993554-G-A. GRCh37 (hg19) VCF-style: chr18-25573518-G-A.
Other names: c.1011C>T, p.Ala337= (NM_001308176.2); c.1104C>T (NM_001792.4).
Identifiers: ClinVar variation 1598999 (VCV001598999.15), dbSNP rs144320505, ClinGen allele CA8923518.